The following is an entry in ClinVar:

NM_001277313.2(FMN1):c.1499T>C (p.Leu500Pro)

Gene: FMN1 (formin 1; minus strand). Cytogenetic location: 15q13.3.
Variant type: single nucleotide variant.
Coding change: c.1499T>C on transcript NM_001277313.2 (MANE Select); coding-DNA position 1499, T replaced by C.
Protein change: p.Leu500Pro; replaces leucine 500 with proline.
Molecular consequence: missense variant.
Genome position (GRCh38, 1-based): chr15:33,153,416, A>G on the plus strand (T>C on the coding strand, the complement: FMN1 is on the minus strand). VCF-style: chr15-33153416-A-G. GRCh37 (hg19) VCF-style: chr15-33445617-A-G.
Other names: c.1499T>C, p.Leu500Pro (NM_001277314.2); short protein forms L500P.
Identifiers: ClinVar variation 1912986 (VCV001912986.5), dbSNP rs113661875, ClinGen allele CA268811607.
Genomic context (GRCh38, chr15:33,153,416, plus strand): 5'-ACAGGTGACGTCTGTTTGTGTGTGCTGGACTGCGAGGCTGAATTATTAAACACCTTGCCA[A>G]GAGCTGCCGGTGCTGGTGGGGATGGCTTCTTCTTATCACCTCTGGGTTGTGAGGAGTCAG-3'
Protein context (NP_001264242.1, residues 490-510): KKPSPPAPAA[Leu500Pro]GKVFNNSASQ

ClinVar aggregate classification (germline): Uncertain significance (1 of 4 stars; one submission).

Allele frequency attached by ClinVar (database versions not stated): gnomAD exomes 0.00001.

Submission:

Labcorp Genetics (formerly Invitae), Labcorp
Classification: Uncertain significance. Last evaluated: 2025-08-11. Review status: criteria provided, single submitter. Criteria: Invitae Variant Classification Sherloc (09022015). Collection method: clinical testing. Allele origin: germline.
Comment: The FMN1 gene has multiple clinically relevant transcripts. This variant occurs in alternate transcript NM_001277314.1, and corresponds to NM_001103184.3:c.-85532T>C in the primary transcript. This sequence change replaces leucine, which is neutral and non-polar, with proline, which is neutral and non-polar, at codon 500 of the FMN1 protein (p.Leu500Pro). This variant is not present in population databases (gnomAD no frequency). This variant has not been reported in the literature in individuals affected with FMN1-related conditions. Experimental studies and prediction algorithms are not available or were not evaluated, and the functional significance of this variant is currently unknown. In summary, the available evidence is currently insufficient to determine the role of this variant in disease. Therefore, it has been classified as a Variant of Uncertain Significance.